The following is an entry in ClinVar:

ClinVar aggregate classification (germline): Conflicting classifications of pathogenicity. Review status: criteria provided, conflicting classifications (1 of 4 stars). 2 submissions from 2 submitters: Uncertain significance (1); Likely benign (1). Last evaluated 2024-01-01.

Conditions:
Mitochondrial DNA depletion syndrome 13. Also called: FBXL4-Related Encephalomyopathic Mitochondrial DNA Depletion Syndrome; Mitochondrial DNA depletion syndrome 13 (encephalomyopathic type). Identifiers: Orphanet 369897, MedGen C3809592, MONDO:0014198, OMIM 615471.

gnomAD v4.1: 21 of 1,614,102 alleles (0.0013%); highest among the groups gnomAD compares: South Asian, 0.021%; no homozygotes.

Submissions (2):

Labcorp Genetics (formerly Invitae), Labcorp
Classification: Likely benign. Last evaluated: 2024-01-01. Review status: criteria provided, single submitter. Criteria: Invitae Variant Classification Sherloc (09022015). Collection method: clinical testing. Allele origin: germline.

Wong Mito Lab, Molecular and Human Genetics, Baylor College of Medicine
Classification: Uncertain significance for Mitochondrial DNA depletion syndrome 13. Last evaluated: 2017-08-10. Review status: criteria provided, single submitter. Criteria: ACMG Guidelines, 2015. Collection method: reference population. Allele origin: germline.
Comment: The NM_012160.4:c.249T>C (NP_036292.2:p.Asn83=) [GRCH38: NC_000006.12:g.98926740A>G] variant in FBXL4 gene is interpretated to be a Uncertain Significance - Conflicting Evidence based on ACMG guidelines (PMID: 25741868). This variant meets one or more of the following evidence codes reported in the ACMG-guideline. PM2:This variant is absent in key population databases. BP4:Computational evidence/predictors indicate no impact on the FBXL4 structure, function, or protein-protein interaction. BP7:The variant is silent with non predicted splice impact. Based on this evidence code ClinGen Pathogenicity Calculator (PMID:28081714) suggested that the variant is Uncertain Significance - Conflicting Evidence.

NM_001278716.2(FBXL4):c.249T>C (p.Asn83=)

Gene: FBXL4 (F-box and leucine rich repeat protein 4; minus strand). Cytogenetic location: 6q16.2.
Variant type: single nucleotide variant.
Coding change: c.249T>C on transcript NM_001278716.2 (MANE Select); coding-DNA position 249, T replaced by C.
Protein change: p.Asn83=; no amino-acid change (asparagine 83 retained).
Molecular consequence: synonymous variant. On other transcripts: non-coding transcript variant (2).
Genome position (GRCh38, 1-based): chr6:98,926,740, A>G on the plus strand (T>C on the coding strand, the complement: FBXL4 is on the minus strand). VCF-style: chr6-98926740-A-G. GRCh37 (hg19) VCF-style: chr6-99374616-A-G.
Other names: c.249T>C, p.Asn83= (NM_012160.5).
Identifiers: ClinVar variation 437556 (VCV000437556.4), dbSNP rs372346466, ClinGen allele CA3933714.